The following is an entry in ClinVar:

ClinVar aggregate classification (germline): Uncertain significance (1 of 4 stars; one submission).

Submission:

GeneDx
Classification: Uncertain significance. Last evaluated: 2023-10-19. Review status: criteria provided, single submitter. Criteria: GeneDx Variant Classification Process June 2021. Collection method: clinical testing. Allele origin: germline. Affected: yes.
Comment: Not observed at significant frequency in large population cohorts (gnomAD); In silico analysis supports that this missense variant has a deleterious effect on protein structure/function; Has not been previously published as pathogenic or benign to our knowledge

NM_006496.4(GNAI3):c.76G>A (p.Asp26Asn)

Genes: GNAI3 (G protein subunit alpha i3; plus strand), LOC129931108 (ATAC-STARR-seq lymphoblastoid active region 1445; plus strand). Cytogenetic location: 1p13.3.
Variant type: single nucleotide variant.
Coding change: c.76G>A on transcript NM_006496.4 (MANE Select); coding-DNA position 76, G replaced by A.
Protein change: p.Asp26Asn; replaces aspartic acid 26 with asparagine.
Molecular consequence: missense variant.
Genome position (GRCh38, 1-based): chr1:109,548,796, G>A. VCF-style: chr1-109548796-G-A. GRCh37 (hg19) VCF-style: chr1-110091418-G-A.
Other names: short protein forms D26N.
Identifiers: ClinVar variation 3363275 (VCV003363275.1).
Genomic context (GRCh38, chr1:109,548,796, plus strand): 5'-AGCGCCGAAGACAAGGCGGCAGTGGAGCGAAGCAAGATGATCGACCGCAACTTACGGGAG[G>A]ACGGGGAAAAAGCGGCCAAAGAAGTGAAGCTGCTGCTACTCGGTGAGGGGCTGGAGGCGG-3'
Protein context (NP_006487.1, residues 16-36): SKMIDRNLRE[Asp26Asn]GEKAAKEVKL